The following is an entry in ClinVar:

ClinVar aggregate classification (germline): Conflicting classifications of pathogenicity. Review status: criteria provided, conflicting classifications (1 of 4 stars). 3 submissions from 3 submitters: Likely pathogenic (1); Uncertain significance (2). Last evaluated 2026-03-19.

Conditions:
Primary hyperoxaluria, type II (HP2). Also called: Primary hyperoxaluria type 2; D-GLYCERATE DEHYDROGENASE DEFICIENCY; GLYCERIC ACIDURIA; GLYOXYLATE REDUCTASE/HYDROXYPYRUVATE REDUCTASE DEFICIENCY; OXALOSIS II. Identifiers: Orphanet 416, Orphanet 93599, MedGen C0268165, MONDO:0009824, OMIM 260000. Disease mechanism: loss of function.

Submissions (3):

Myriad Genetics, Inc.
Classification: Uncertain significance for Primary hyperoxaluria, type II. Last evaluated: 2026-03-19. Review status: criteria provided, single submitter. Criteria: Myriad Autosomal Dominant, Autosomal Recessive and X-Linked Classification Criteria (2023). Collection method: clinical testing. Allele origin: unknown.
Comment: NM_012203.1(GRHPR):c.344C>A(A115E) is a missense variant classified as a variant of uncertain significance in the context of primary hyperoxaluria type 2. A115E has been observed in cases with relevant disease (PMID: 36185032, 36260161). Relevant functional assessments of this variant are not available in the literature. A115E has not been observed in referenced population frequency databases. In summary, there is insufficient evidence to classify NM_012203.1(GRHPR):c.344C>A(A115E) as pathogenic or benign. Please note: this variant was assessed in the context of healthy population screening.

Clinical Biochemistry Laboratory, Health Services Laboratory
Classification: Likely pathogenic for Primary hyperoxaluria, type II. Last evaluated: 2023-10-27. Review status: criteria provided, single submitter. Criteria: ACMG Guidelines, 2015. Collection method: curation. Allele origin: germline. Affected: yes.
Comment: ACMG:PM1 PM2 PP3 PP5

Revvity Omics, Revvity
Classification: Uncertain significance for Primary hyperoxaluria, type II. Last evaluated: 2023-04-25. Review status: criteria provided, single submitter. Criteria: ACMG Guidelines, 2015. Collection method: clinical testing. Allele origin: germline.

Literature cited by the submitters: PubMed 36185032 (cited by Myriad Genetics, Inc. and Clinical Biochemistry Laboratory, Health Services Laboratory); PubMed 36260161 (cited by Myriad Genetics, Inc. and Clinical Biochemistry Laboratory, Health Services Laboratory); PubMed 35678848 (cited by Clinical Biochemistry Laboratory, Health Services Laboratory).

NM_012203.2(GRHPR):c.344C>A (p.Ala115Glu)

Gene: GRHPR (glyoxylate and hydroxypyruvate reductase; plus strand). Cytogenetic location: 9p13.2.
Variant type: single nucleotide variant.
Coding change: c.344C>A on transcript NM_012203.2 (MANE Select); coding-DNA position 344, C replaced by A.
Protein change: p.Ala115Glu; replaces alanine 115 with glutamic acid.
Molecular consequence: missense variant.
Genome position (GRCh38, 1-based): chr9:37,426,594, C>A. VCF-style: chr9-37426594-C-A. GRCh37 (hg19) VCF-style: chr9-37426591-C-A.
Other names: short protein forms A115E.
Identifiers: ClinVar variation 2664416 (VCV002664416.4), dbSNP rs2489236019, ClinGen allele CA373442541.
Genomic context (GRCh38, chr9:37,426,594, plus strand): 5'-GTAGTGGGATCCGAGTTGGCTACACCCCAGATGTCCTGACAGATACCACCGCCGAACTCG[C>A]AGTCTCCCTGCTACTTACCACCTGCCGCCGGTTGCCGGAGGCCATCGAGGAAGTGAAGAA-3'
Protein context (NP_036335.1, residues 105-125): DVLTDTTAEL[Ala115Glu]VSLLLTTCRR